The following is an entry in ClinVar:

ClinVar aggregate classification (germline): Uncertain significance (1 of 4 stars; one submission).

Allele frequency attached by ClinVar (database versions not stated): gnomAD exomes below 0.00001.
gnomAD v4.1: 1 of 1,614,084 alleles (0.000062%); highest among the groups gnomAD compares: Non-Finnish European, 0.000085%; no homozygotes.

Submission:

Labcorp Genetics (formerly Invitae), Labcorp
Classification: Uncertain significance. Last evaluated: 2022-06-18. Review status: criteria provided, single submitter. Criteria: Invitae Variant Classification Sherloc (09022015). Collection method: clinical testing. Allele origin: germline.
Comment: In summary, the available evidence is currently insufficient to determine the role of this variant in disease. Therefore, it has been classified as a Variant of Uncertain Significance. Variants that disrupt the consensus splice site are a relatively common cause of aberrant splicing (PMID: 17576681, 9536098). Algorithms developed to predict the effect of sequence changes on RNA splicing suggest that this variant is not likely to affect RNA splicing. This variant has not been reported in the literature in individuals affected with ARHGEF1-related conditions. This variant is not present in population databases (gnomAD no frequency). This sequence change falls in intron 23 of the ARHGEF1 gene. It does not directly change the encoded amino acid sequence of the ARHGEF1 protein. It affects a nucleotide within the consensus splice site.

Literature cited by the submitters: PubMed 17576681; PubMed 9536098.

NM_004706.4(ARHGEF1):c.2249+6G>A

Gene: ARHGEF1 (Rho guanine nucleotide exchange factor 1; plus strand). Cytogenetic location: 19q13.2.
Variant type: single nucleotide variant.
Coding change: c.2249+6G>A on transcript NM_004706.4 (MANE Select); 6 bases into the intron after coding-DNA position 2249, G replaced by A.
Molecular consequence: intron variant.
Genome position (GRCh38, 1-based): chr19:41,905,042, G>A. VCF-style: chr19-41905042-G-A. GRCh37 (hg19) VCF-style: chr19-42409194-G-A.
Other names: c.2150+6G>A (NM_198977.2); c.2294+6G>A (NM_199002.2).
Identifiers: ClinVar variation 1447379 (VCV001447379.6), dbSNP rs1555849830, ClinGen allele CA2573156401.